The following is an entry in ClinVar:

NM_021930.6(RINT1):c.1967G>A (p.Arg656Gln)

Genes: EFCAB10 (EF-hand calcium binding domain 10; minus strand), RINT1 (RAD50 interactor 1; plus strand). Cytogenetic location: 7q22.3.
Variant type: single nucleotide variant.
Coding change: c.1967G>A on transcript NM_021930.6 (MANE Select); coding-DNA position 1967, G replaced by A.
Protein change: p.Arg656Gln; replaces arginine 656 with glutamine.
Molecular consequence: missense variant. On other transcripts: 3 prime UTR variant (3), non-coding transcript variant (1).
Genome position (GRCh38, 1-based): chr7:105,565,357, G>A. VCF-style: chr7-105565357-G-A. GRCh37 (hg19) VCF-style: chr7-105205804-G-A.
Other names: c.*90C>T (NM_001355526.2); c.*192C>T (NM_001355530.2); c.*45C>T (NM_001355531.2); c.1733G>A, p.Arg578Gln (NM_001346599.2); c.944G>A, p.Arg315Gln (NM_001346600.2, NM_001346603.2); c.1043G>A, p.Arg348Gln (NM_001346601.2); short protein forms R315Q, R348Q, R578Q, R656Q.
Identifiers: ClinVar variation 1051054 (VCV001051054.13), dbSNP rs746864752, ClinGen allele CA4426825.

ClinVar aggregate classification (germline): Uncertain significance. Review status: criteria provided, multiple submitters, no conflicts (2 of 4 stars). 2 submissions from 2 submitters: Uncertain significance (2). Last evaluated 2025-11-08.

Allele frequency attached by ClinVar (database versions not stated): TOPMed below 0.00001; gnomAD 0.00001; ExAC 0.00003.
gnomAD v4.1: 19 of 1,614,048 alleles (0.0012%); highest among the groups gnomAD compares: East Asian, 0.0022%; no homozygotes.

Submissions (2):

Ambry Genetics
Classification: Uncertain significance. Last evaluated: 2025-11-08. Review status: criteria provided, single submitter. Criteria: Ambry Variant Classification Scheme 2023. Collection method: clinical testing. Allele origin: germline.

Labcorp Genetics (formerly Invitae), Labcorp
Classification: Uncertain significance. Last evaluated: 2024-09-03. Review status: criteria provided, single submitter. Criteria: Invitae Variant Classification Sherloc (09022015). Collection method: clinical testing. Allele origin: germline.
Comment: This sequence change replaces arginine, which is basic and polar, with glutamine, which is neutral and polar, at codon 656 of the RINT1 protein (p.Arg656Gln). This variant is present in population databases (rs746864752, gnomAD 0.003%). This variant has not been reported in the literature in individuals affected with RINT1-related conditions. ClinVar contains an entry for this variant (Variation ID: 1051054). An algorithm developed to predict the effect of missense changes on protein structure and function (PolyPhen-2) suggests that this variant is likely to be disruptive. In summary, the available evidence is currently insufficient to determine the role of this variant in disease. Therefore, it has been classified as a Variant of Uncertain Significance.